The following is an entry in ClinVar:

ClinVar aggregate classification (germline): Uncertain significance (1 of 4 stars; one submission).

gnomAD v4.1: 28 of 1,613,966 alleles (0.0017%); highest among the groups gnomAD compares: Admixed American, 0.037%; no homozygotes.

Submission:

Labcorp Genetics (formerly Invitae), Labcorp
Classification: Uncertain significance. Last evaluated: 2022-06-05. Review status: criteria provided, single submitter. Criteria: Invitae Variant Classification Sherloc (09022015). Collection method: clinical testing. Allele origin: germline.
Comment: This sequence change replaces arginine, which is basic and polar, with tryptophan, which is neutral and slightly polar, at codon 1047 of the ADAMTSL4 protein (p.Arg1047Trp). This variant is present in population databases (no rsID available, gnomAD 0.02%). This variant has not been reported in the literature in individuals affected with ADAMTSL4-related conditions. ClinVar contains an entry for this variant (Variation ID: 1520738). Algorithms developed to predict the effect of missense changes on protein structure and function (SIFT, PolyPhen-2, Align-GVGD) all suggest that this variant is likely to be disruptive. In summary, the available evidence is currently insufficient to determine the role of this variant in disease. Therefore, it has been classified as a Variant of Uncertain Significance.

NM_019032.6(ADAMTSL4):c.3139C>T (p.Arg1047Trp)

Gene: ADAMTSL4 (ADAMTS like 4; plus strand). Cytogenetic location: 1q21.2.
Variant type: single nucleotide variant.
Coding change: c.3139C>T on transcript NM_019032.6 (MANE Select); coding-DNA position 3139, C replaced by T.
Protein change: p.Arg1047Trp; replaces arginine 1047 with tryptophan.
Molecular consequence: missense variant.
Genome position (GRCh38, 1-based): chr1:150,560,110, C>T. VCF-style: chr1-150560110-C-T. GRCh37 (hg19) VCF-style: chr1-150532586-C-T.
Other names: c.3022C>T, p.Arg1008Trp (NM_001288607.2); c.3208C>T, p.Arg1070Trp (NM_001288608.2); c.3139C>T, p.Arg1047Trp (NM_001378596.1); short protein forms R1008W, R1047W, R1070W.
Identifiers: ClinVar variation 1520738 (VCV001520738.3), dbSNP rs113799188, ClinGen allele CA30073737.